The following is an entry in ClinVar:

NM_030917.4(FIP1L1):c.784T>C (p.Ser262Pro)

Gene: FIP1L1 (factor interacting with PAPOLA and CPSF1; plus strand). Cytogenetic location: 4q12.
Variant type: single nucleotide variant.
Coding change: c.784T>C on transcript NM_030917.4 (MANE Select); coding-DNA position 784, T replaced by C.
Protein change: p.Ser262Pro; replaces serine 262 with proline.
Molecular consequence: missense variant. On other transcripts: non-coding transcript variant (3).
Genome position (GRCh38, 1-based): chr4:53,399,808, T>C. VCF-style: chr4-53399808-T-C. GRCh37 (hg19) VCF-style: chr4-54265975-T-C.
Other names: c.715T>C, p.Ser239Pro (NM_001376754.1, NM_001376756.1, NM_001376770.1 and 9 more transcripts); c.712T>C, p.Ser238Pro (NM_001376755.1); c.670T>C, p.Ser224Pro (NM_001376757.1, NM_001376758.1, NM_001376760.1 and 5 more transcripts); c.784T>C, p.Ser262Pro (NM_001376759.1, NM_001376765.1, NM_001376766.1 and 2 more transcripts); c.778T>C, p.Ser260Pro (NM_001376761.1, NM_001376746.1); c.664T>C, p.Ser222Pro (NM_001376762.1, NM_001376764.1, NM_001376768.1 and 3 more transcripts); c.739T>C, p.Ser247Pro (NM_001376769.1, NM_001376773.1, NM_001376776.1 and 2 more transcripts); c.607T>C, p.Ser203Pro (NM_001376772.1); and 4 more; short protein forms S262P, S224P, S247P, S181P, S203P, S222P, S223P, S237P.
Identifiers: ClinVar variation 134420 (VCV000134420.2), dbSNP rs587778363, ClinGen allele CA159754.

ClinVar aggregate classification (germline): Uncertain significance. Review status: criteria provided, single submitter (1 of 4 stars). 2 submissions from 2 submitters: Uncertain significance (1). 1 of the submissions does not count toward it. Last evaluated 2023-10-20.

Allele frequency attached by ClinVar (database versions not stated): ExAC 0.00001; gnomAD 0.00001; gnomAD exomes 0.00002; TOPMed 0.00003.
gnomAD v4.1: 25 of 1,613,556 alleles (0.0015%); highest among the groups gnomAD compares: Admixed American, 0.018%; no homozygotes.

Submissions (2):

Ambry Genetics
Classification: Uncertain significance. Last evaluated: 2023-10-20. Review status: criteria provided, single submitter. Criteria: Ambry Variant Classification Scheme 2023. Collection method: clinical testing. Allele origin: germline.

ITMI
No classification provided. Condition: AllHighlyPenetrant. Last evaluated: 2013-09-19. Review status: no classification provided. Collection method: reference population. Allele origin: germline. Not counted in ClinVar's aggregate classification.
Comment: Please see associated publication for description of ethnicities

Literature cited by the submitters: PubMed 24728327 (cited by ITMI).